The following is an entry in ClinVar:

ClinVar aggregate classification (germline): Uncertain significance (1 of 4 stars; one submission).

Allele frequency attached by ClinVar (database versions not stated): gnomAD 0.00003; TOPMed 0.00005; ExAC 0.00011.
gnomAD v4.1: 84 of 1,594,736 alleles (0.0053%); highest among the groups gnomAD compares: Non-Finnish European, 0.0062%; 1 homozygote.

Submission:

Labcorp Genetics (formerly Invitae), Labcorp
Classification: Uncertain significance. Last evaluated: 2022-07-05. Review status: criteria provided, single submitter. Criteria: Invitae Variant Classification Sherloc (09022015). Collection method: clinical testing. Allele origin: germline.
Comment: In summary, the available evidence is currently insufficient to determine the role of this variant in disease. Therefore, it has been classified as a Variant of Uncertain Significance. Algorithms developed to predict the effect of sequence changes on RNA splicing suggest that this variant may create or strengthen a splice site. Algorithms developed to predict the effect of missense changes on protein structure and function (SIFT, PolyPhen-2, Align-GVGD) all suggest that this variant is likely to be disruptive. This variant has not been reported in the literature in individuals affected with CELSR2-related conditions. The frequency data for this variant in the population databases is considered unreliable, as metrics indicate poor data quality at this position in the gnomAD database. This sequence change replaces glycine, which is neutral and non-polar, with arginine, which is basic and polar, at codon 1445 of the CELSR2 protein (p.Gly1445Arg).

NM_001408.3(CELSR2):c.4333G>A (p.Gly1445Arg)

Gene: CELSR2 (cadherin EGF LAG seven-pass G-type receptor 2; plus strand). Cytogenetic location: 1p13.3.
Variant type: single nucleotide variant.
Coding change: c.4333G>A on transcript NM_001408.3 (MANE Select); coding-DNA position 4333, G replaced by A.
Protein change: p.Gly1445Arg; replaces glycine 1445 with arginine.
Molecular consequence: missense variant.
Genome position (GRCh38, 1-based): chr1:109,261,843, G>A. VCF-style: chr1-109261843-G-A. GRCh37 (hg19) VCF-style: chr1-109804465-G-A.
Other names: short protein forms G1445R.
Identifiers: ClinVar variation 2166523 (VCV002166523.4), dbSNP rs753290065, ClinGen allele CA987192.